The following is an entry in ClinVar:

ClinVar aggregate classification (germline): Pathogenic (1 of 4 stars; one submission).

Allele frequency attached by ClinVar (database versions not stated): gnomAD exomes below 0.00001; ExAC 0.00001.
gnomAD v4.1: 1 of 1,613,050 alleles (0.000062%); highest among the groups gnomAD compares: Non-Finnish European, 0.000085%; no homozygotes.

Submission:

Labcorp Genetics (formerly Invitae), Labcorp
Classification: Pathogenic. Last evaluated: 2024-03-16. Review status: criteria provided, single submitter. Criteria: Invitae Variant Classification Sherloc (09022015). Collection method: clinical testing. Allele origin: germline.
Comment: This sequence change creates a premature translational stop signal (p.Gln545*) in the RASGRP1 gene. It is expected to result in an absent or disrupted protein product. Loss-of-function variants in RASGRP1 are known to be pathogenic (PMID: 11017103, 27776107, 28822832). This variant is present in population databases (rs758591562, gnomAD 0.0009%). This variant has not been reported in the literature in individuals affected with RASGRP1-related conditions. ClinVar contains an entry for this variant (Variation ID: 1073795). Algorithms developed to predict the effect of sequence changes on RNA splicing suggest that this variant may disrupt the consensus splice site. For these reasons, this variant has been classified as Pathogenic.

Literature cited by the submitters: PubMed 11017103; PubMed 27776107; PubMed 28822832.

NM_005739.4(RASGRP1):c.1633C>T (p.Gln545Ter)

Gene: RASGRP1 (RAS guanyl releasing protein 1; minus strand). Cytogenetic location: 15q14.
Variant type: single nucleotide variant.
Coding change: c.1633C>T on transcript NM_005739.4 (MANE Select); coding-DNA position 1633, C replaced by T.
Protein change: p.Gln545Ter; replaces glutamine 545 with a stop codon.
Molecular consequence: nonsense.
Genome position (GRCh38, 1-based): chr15:38,501,193, G>A on the plus strand (C>T on the coding strand, the complement: RASGRP1 is on the minus strand). VCF-style: chr15-38501193-G-A. GRCh37 (hg19) VCF-style: chr15-38793394-G-A.
Other names: c.1528C>T, p.Gln510Ter (NM_001128602.2, NM_001306086.2); short protein forms Q510*, Q545*.
Identifiers: ClinVar variation 1073795 (VCV001073795.5), dbSNP rs758591562, ClinGen allele CA7470819.